The following is an entry in ClinVar:

ClinVar aggregate classification (germline): Pathogenic (1 of 4 stars; one submission).

Conditions:
Neurofibromatosis, type 1 (NF1). Also called: VON RECKLINGHAUSEN DISEASE; Peripheral type neurofibromatosis; Neurofibromatosis, type I; NEUROFIBROMATOSIS, TYPE I, SOMATIC. Identifiers: Orphanet 636, MedGen C0027831, MONDO:0018975, OMIM 162200. Disease mechanism: loss of function.

Submission:

Labcorp Genetics (formerly Invitae), Labcorp
Classification: Pathogenic for Neurofibromatosis, type 1. Last evaluated: 2022-05-12. Review status: criteria provided, single submitter. Criteria: Invitae Variant Classification Sherloc (09022015). Collection method: clinical testing. Allele origin: germline.
Comment: This variant has not been reported in the literature in individuals affected with NF1-related conditions. For these reasons, this variant has been classified as Pathogenic. This sequence change creates a premature translational stop signal (p.Arg815Glufs*16) in the NF1 gene. It is expected to result in an absent or disrupted protein product. Loss-of-function variants in NF1 are known to be pathogenic (PMID: 10712197, 23913538). This variant is not present in population databases (gnomAD no frequency).

Literature cited by the submitters: PubMed 10712197; PubMed 23913538.

NM_001042492.3(NF1):c.2441dup (p.Arg815fs)

Gene: NF1 (neurofibromin 1; plus strand). Cytogenetic location: 17q11.2.
Variant type: Duplication.
Coding change: c.2441dup on transcript NM_001042492.3 (MANE Select); coding-DNA position 2441, one base duplicated (A; older notation c.2441dupA).
Protein change: p.Arg815fs; shifts the reading frame from arginine 815.
Molecular consequence: frameshift variant.
Genome position (GRCh38, 1-based): chr17:31,229,056, A duplicated; the last of 2 consecutive A bases (chr17:31,229,055-31,229,056); duplicating either gives the same sequence. VCF-style (leftmost placement, unchanged base first): chr17-31229054-T-TA. GRCh37 (hg19) VCF-style: chr17-29556072-T-TA.
Other names: c.2441dup, p.Arg815Glufs (NM_000267.4); short protein forms R815fs.
Identifiers: ClinVar variation 1993503 (VCV001993503.4), dbSNP rs2508181588, ClinGen allele CA2580093253.